The following is an entry in ClinVar:

NM_005228.5(EGFR):c.3598G>A (p.Val1200Ile)

Gene: EGFR (epidermal growth factor receptor; plus strand). Cytogenetic location: 7p11.2.
Variant type: single nucleotide variant.
Coding change: c.3598G>A on transcript NM_005228.5 (MANE Select); coding-DNA position 3598, G replaced by A.
Protein change: p.Val1200Ile; replaces valine 1200 with isoleucine.
Molecular consequence: missense variant.
Genome position (GRCh38, 1-based): chr7:55,205,582, G>A. VCF-style: chr7-55205582-G-A. GRCh37 (hg19) VCF-style: chr7-55273275-G-A.
Other names: c.3463G>A, p.Val1155Ile (NM_001346899.2); c.3439G>A, p.Val1147Ile (NM_001346900.2); c.2797G>A, p.Val933Ile (NM_001346941.2); short protein forms V1155I, V1200I, V1147I, V933I.
Identifiers: ClinVar variation 2811763 (VCV002811763.3), dbSNP rs2128975645, ClinGen allele CA367584977.

ClinVar aggregate classification (germline): Uncertain significance (1 of 4 stars; one submission).

Conditions:
EGFR-related lung cancer (EGFR). Identifiers: MedGen CN130014.

Submission:

Labcorp Genetics (formerly Invitae), Labcorp
Classification: Uncertain significance for EGFR-related lung cancer. Last evaluated: 2022-11-03. Review status: criteria provided, single submitter. Criteria: Invitae Variant Classification Sherloc (09022015). Collection method: clinical testing. Allele origin: germline.
Comment: This variant is not present in population databases (gnomAD no frequency). In summary, the available evidence is currently insufficient to determine the role of this variant in disease. Therefore, it has been classified as a Variant of Uncertain Significance. Algorithms developed to predict the effect of missense changes on protein structure and function (SIFT, PolyPhen-2, Align-GVGD) all suggest that this variant is likely to be tolerated. This variant has not been reported in the literature in individuals affected with EGFR-related conditions. This sequence change replaces valine, which is neutral and non-polar, with isoleucine, which is neutral and non-polar, at codon 1200 of the EGFR protein (p.Val1200Ile).